The following is an entry in ClinVar:

ClinVar aggregate classification (germline): Benign (1 of 4 stars; one submission).

Conditions:
Pseudohypoaldosteronism type 2C (PHA2C). Also called: Pseudohypoaldosteronism Type IIC. Identifiers: Orphanet 757, Orphanet 88940, MedGen C1840391, MONDO:0013778, OMIM 614492.

Allele frequency attached by ClinVar (database versions not stated): 1000 Genomes Project 0.00060; 1000 Genomes Project 30x 0.00062; gnomAD 0.00190 and 0.00200; TOPMed 0.00233.

Submission:

Illumina Laboratory Services, Illumina
Classification: Benign for Pseudohypoaldosteronism type 2C. Last evaluated: 2018-01-13. Review status: criteria provided, single submitter. Criteria: ICSL Variant Classification Criteria 13 December 2019. Collection method: clinical testing. Allele origin: germline.
Comment: This variant was observed in the ICSL laboratory as part of a predisposition screen in an ostensibly healthy population. It had not been previously curated by ICSL or reported in the Human Gene Mutation Database (HGMD: prior to June 1st, 2018), and was therefore a candidate for classification through an automated scoring system. Utilizing variant allele frequency, disease prevalence and penetrance estimates, and inheritance mode, an automated score was calculated to assess if this variant is too frequent to cause the disease. Based on the score and internal cut-off values, a variant classified as benign is not then subjected to further curation. The score for this variant resulted in a classification of benign for this disease.

NM_018979.4(WNK1):c.*1937C>G

Gene: WNK1 (WNK lysine deficient protein kinase 1; plus strand). Cytogenetic location: 12p13.33.
Variant type: single nucleotide variant.
Coding change: c.*1937C>G on transcript NM_018979.4 (MANE Select); 1937 bases downstream of the stop codon, C replaced by G.
Molecular consequence: 3 prime UTR variant.
Genome position (GRCh38, 1-based): chr12:910,729, C>G. VCF-style: chr12-910729-C-G. GRCh37 (hg19) VCF-style: chr12-1019895-C-G.
Other names: c.*1937C>G (NM_001184985.2, NM_014823.3, NM_213655.5).
Identifiers: ClinVar variation 306709 (VCV000306709.5), dbSNP rs2023943, ClinGen allele CA10642589.
Genomic context (GRCh38, chr12:910,729, plus strand): 5'-CCCACGTCAATGGCATATTCTGGGAATCACCACCACCACCACCACTACCACAGAAAGAGG[C>G]TGGAGGCTCCTGTACCCTGTTCATTCCTTAAGGGCCCTGCTTCCCTTAGTAAGTAAGTAA-3'